The following is an entry in ClinVar:

NM_001079802.2(FKTN):c.467C>A (p.Thr156Asn)

Gene: FKTN (fukutin; plus strand). Cytogenetic location: 9q31.2.
Variant type: single nucleotide variant.
Coding change: c.467C>A on transcript NM_001079802.2 (MANE Select); coding-DNA position 467, C replaced by A.
Protein change: p.Thr156Asn; replaces threonine 156 with asparagine.
Molecular consequence: missense variant. On other transcripts: non-coding transcript variant (2).
Genome position (GRCh38, 1-based): chr9:105,604,312, C>A. VCF-style: chr9-105604312-C-A. GRCh37 (hg19) VCF-style: chr9-108366593-C-A.
Other names: c.467C>A, p.Thr156Asn (NM_001198963.2, NM_001351496.2, NM_001351498.2 and 1 more transcripts); c.398C>A, p.Thr133Asn (NM_001351497.2); c.71C>A, p.Thr24Asn (NM_001351499.2, NM_001351500.2, NM_001351501.2 and 1 more transcripts); short protein forms T133N, T156N, T24N.
Identifiers: ClinVar variation 1039135 (VCV001039135.6), dbSNP rs1828456809, ClinGen allele CA374332057.
Genomic context (GRCh38, chr9:105,604,312, plus strand): 5'-AGTGCCTAAAGATTGAGAGTAAAGATCCCCGGCTAGACGGGATAGACTCACTCTCTGGAA[C>A]TGAAATCCCCCTGCACTATATCTGCAAACTGGCCACTCATGCGATCCACTTGGTAGTCTT-3'
Protein context (NP_001073270.1, residues 146-166): RLDGIDSLSG[Thr156Asn]EIPLHYICKL

ClinVar aggregate classification (germline): Uncertain significance (1 of 4 stars; one submission).

Conditions:
Walker-Warburg congenital muscular dystrophy. Also called: Muscular dystrophy-dystroglycanopathy, type A; Walker-Warburg syndrome. Identifiers: Orphanet 899, MedGen C0265221, MONDO:0000171.

gnomAD v4.1: 1 of 1,614,030 alleles (0.000062%); highest among the groups gnomAD compares: Non-Finnish European, 0.000085%; no homozygotes.

Submission:

Labcorp Genetics (formerly Invitae), Labcorp
Classification: Uncertain significance for Walker-Warburg congenital muscular dystrophy. Last evaluated: 2021-08-30. Review status: criteria provided, single submitter. Criteria: Invitae Variant Classification Sherloc (09022015). Collection method: clinical testing. Allele origin: germline.
Comment: This sequence change replaces threonine with asparagine at codon 156 of the FKTN protein (p.Thr156Asn). The threonine residue is moderately conserved and there is a small physicochemical difference between threonine and asparagine. This variant is not present in population databases (ExAC no frequency). This variant has not been reported in the literature in individuals affected with FKTN-related conditions. Algorithms developed to predict the effect of missense changes on protein structure and function (SIFT, PolyPhen-2, Align-GVGD) all suggest that this variant is likely to be tolerated. In summary, the available evidence is currently insufficient to determine the role of this variant in disease. Therefore, it has been classified as a Variant of Uncertain Significance.